The following is an entry in ClinVar:

ClinVar aggregate classification (germline): Benign/Likely benign. Review status: criteria provided, multiple submitters, no conflicts (2 of 4 stars). 4 submissions from 4 submitters: Benign (1); Likely benign (3). Last evaluated 2025-04-01.

Conditions:
Familial cancer of breast. Also called: hereditary breast carcinoma; BREAST CANCER, FAMILIAL; Hereditary breast cancer. Identifiers: Orphanet 227535, MedGen C0346153, MONDO:0016419, OMIM 114480. Disease mechanism: loss of function.
Ataxia-telangiectasia syndrome (AT). Also called: ATAXIA-TELANGIECTASIA, COMPLEMENTATION GROUP A; ATAXIA-TELANGIECTASIA, FRESNO VARIANT; Ataxia-telangiectasia, complementation group E; Ataxia telangiectasia (A-T); LOUIS-BAR SYNDROME; Cerebello-oculocutaneous telangiectasia. Identifiers: Orphanet 100, MedGen C0004135, MONDO:0008840, OMIM 208900.
Hereditary cancer-predisposing syndrome. Also called: Neoplastic Syndromes, Hereditary; Hereditary Cancer Syndrome; Hereditary neoplastic syndrome; Tumor predisposition. Identifiers: Orphanet 140162, MedGen C0027672, MeSH D009386, MONDO:0015356.

Submissions (4):

Labcorp Genetics (formerly Invitae), Labcorp
Classification: Likely benign for Ataxia-telangiectasia syndrome. Last evaluated: 2025-04-01. Review status: criteria provided, single submitter. Criteria: Invitae Variant Classification Sherloc (09022015). Collection method: clinical testing. Allele origin: germline.

Myriad Genetics, Inc.
Classification: Benign for Familial cancer of breast. Last evaluated: 2024-05-24. Review status: criteria provided, single submitter. Criteria: Myriad Autosomal Dominant, Autosomal Recessive and X-Linked Classification Criteria (2023). Collection method: clinical testing. Allele origin: unknown.
Comment: This variant is considered benign. This variant is a silent/synonymous amino acid change and it is not expected to impact splicing.

Color Diagnostics, LLC DBA Color Health
Classification: Likely benign for Hereditary cancer-predisposing syndrome. Last evaluated: 2022-02-16. Review status: criteria provided, single submitter. Criteria: ACMG Guidelines, 2015. Collection method: clinical testing. Allele origin: germline.

Ambry Genetics
Classification: Likely benign for Hereditary cancer-predisposing syndrome. Last evaluated: 2018-03-21. Review status: criteria provided, single submitter. Criteria: Ambry Variant Classification Scheme 2023. Collection method: clinical testing. Allele origin: germline.

NM_000051.4(ATM):c.5661A>T (p.Ala1887=)

Gene: ATM (ATM serine/threonine kinase; plus strand). Cytogenetic location: 11q22.3.
Variant type: single nucleotide variant.
Coding change: c.5661A>T on transcript NM_000051.4 (MANE Select); coding-DNA position 5661, A replaced by T.
Protein change: p.Ala1887=; no amino-acid change (alanine 1887 retained).
Molecular consequence: synonymous variant.
Genome position (GRCh38, 1-based): chr11:108,304,839, A>T. VCF-style: chr11-108304839-A-T. GRCh37 (hg19) VCF-style: chr11-108175566-A-T.
Other names: c.5661A>T, p.Ala1887= (NM_001351834.2).
Identifiers: ClinVar variation 825882 (VCV000825882.14), dbSNP rs876658939, ClinGen allele CA476675200.